The following is an entry in ClinVar:

ClinVar aggregate classification (germline): Pathogenic/Likely pathogenic. Review status: criteria provided, multiple submitters, no conflicts (2 of 4 stars). 2 submissions from 2 submitters: Pathogenic (1); Likely pathogenic (1). Last evaluated 2024-02-23.

Conditions:
Usher syndrome type 1 (USH1). Also called: RETINITIS PIGMENTOSA AND CONGENITAL DEAFNESS. Identifiers: Orphanet 231169, Orphanet 886, MedGen C1568247, MONDO:0010168, OMIM 276900.

gnomAD v4.1: 1 of 1,614,050 alleles (0.000062%); highest among the groups gnomAD compares: Non-Finnish European, 0.000085%; no homozygotes.

Submissions (2):

Natera, Inc.
Classification: Likely pathogenic for Usher syndrome type 1. Last evaluated: 2024-02-23. Review status: criteria provided, single submitter. Criteria: Natera Variant Classification Schema (03/2026). Collection method: clinical testing. Allele origin: germline.
Comment: The c.5245G>T variant in CDH23 is a nonsense variant predicted to introduce a stop codon at amino acid 1749. This variant is expected to result in nonsense mediated decay, truncation, or a dysfunctional protein product. This variant is rare in the general population with a frequency below the threshold expected for the associated phenotype(s). Given the available evidence, this variant is classified as Likely Pathogenic.

Labcorp Genetics (formerly Invitae), Labcorp
Classification: Pathogenic. Last evaluated: 2023-05-10. Review status: criteria provided, single submitter. Criteria: Invitae Variant Classification Sherloc (09022015). Collection method: clinical testing. Allele origin: germline.
Comment: For these reasons, this variant has been classified as Pathogenic. This variant has not been reported in the literature in individuals affected with CDH23-related conditions. This sequence change creates a premature translational stop signal (p.Glu1749*) in the CDH23 gene. It is expected to result in an absent or disrupted protein product. Loss-of-function variants in CDH23 are known to be pathogenic (PMID: 11138009, 21940737). This variant is not present in population databases (gnomAD no frequency). Algorithms developed to predict the effect of sequence changes on RNA splicing suggest that this variant may create or strengthen a splice site.

Literature cited by the submitters: PubMed 11138009 (cited by Labcorp Genetics (formerly Invitae), Labcorp); PubMed 21940737 (cited by Labcorp Genetics (formerly Invitae), Labcorp).

NM_022124.6(CDH23):c.5245G>T (p.Glu1749Ter)

Gene: CDH23 (cadherin related 23; plus strand). Cytogenetic location: 10q22.1.
Variant type: single nucleotide variant.
Coding change: c.5245G>T on transcript NM_022124.6 (MANE Select); coding-DNA position 5245, G replaced by T.
Protein change: p.Glu1749Ter; replaces glutamic acid 1749 with a stop codon.
Molecular consequence: nonsense.
Genome position (GRCh38, 1-based): chr10:71,779,324, G>T. VCF-style: chr10-71779324-G-T. GRCh37 (hg19) VCF-style: chr10-73539081-G-T.
Other names: c.5245G>T (NM_022124.5); short protein forms E1749*.
Identifiers: ClinVar variation 2713476 (VCV002713476.4), dbSNP rs2494344104, ClinGen allele CA377142687.